The following is an entry in ClinVar:

NM_020822.3(KCNT1):c.1684T>C (p.Tyr562His)

Gene: KCNT1 (potassium sodium-activated channel subfamily T member 1; plus strand). Cytogenetic location: 9q34.3.
Variant type: single nucleotide variant.
Coding change: c.1684T>C on transcript NM_020822.3 (MANE Select); coding-DNA position 1684, T replaced by C.
Protein change: p.Tyr562His; replaces tyrosine 562 with histidine.
Molecular consequence: missense variant.
Genome position (GRCh38, 1-based): chr9:135,770,362, T>C. VCF-style: chr9-135770362-T-C. GRCh37 (hg19) VCF-style: chr9-138662208-T-C.
Other names: c.1549T>C, p.Tyr517His (NM_001272003.2); c.1684T>C (NM_020822.2); short protein forms Y517H, Y562H.
Identifiers: ClinVar variation 2006094 (VCV002006094.5), dbSNP rs2490964891, ClinGen allele CA375506460.

ClinVar aggregate classification (germline): Uncertain significance (1 of 4 stars; one submission).

Conditions:
Autosomal dominant nocturnal frontal lobe epilepsy 5. Also called: Epilepsy, nocturnal frontal lobe, 5; KCNT1-Related Epilepsy; CILIARY DYSKINESIA, PRIMARY, 28, WITHOUT SITUS INVERSUS; CILIARY DYSKINESIA, PRIMARY, 28, WITH SITUS INVERSUS. Identifiers: Orphanet 98784, MedGen C3554306, MONDO:0014002, OMIM 615005.
Developmental and epileptic encephalopathy, 14 (DEE14). Also called: Early infantile epileptic encephalopathy 14. Identifiers: Orphanet 293181, MedGen C3554195, MONDO:0013989, OMIM 614959.

Submission:

Labcorp Genetics (formerly Invitae), Labcorp
Classification: Uncertain significance for Autosomal dominant nocturnal frontal lobe epilepsy 5; Developmental and epileptic encephalopathy, 14. Last evaluated: 2023-10-03. Review status: criteria provided, single submitter. Criteria: Invitae Variant Classification Sherloc (09022015). Collection method: clinical testing. Allele origin: germline.
Comment: This sequence change replaces tyrosine, which is neutral and polar, with histidine, which is basic and polar, at codon 562 of the KCNT1 protein (p.Tyr562His). This variant is not present in population databases (gnomAD no frequency). This variant has not been reported in the literature in individuals affected with KCNT1-related conditions. ClinVar contains an entry for this variant (Variation ID: 2006094). Advanced modeling of protein sequence and biophysical properties (such as structural, functional, and spatial information, amino acid conservation, physicochemical variation, residue mobility, and thermodynamic stability) performed at Invitae indicates that this missense variant is not expected to disrupt KCNT1 protein function. In summary, the available evidence is currently insufficient to determine the role of this variant in disease. Therefore, it has been classified as a Variant of Uncertain Significance.